The following is an entry in ClinVar:

ClinVar aggregate classification (germline): Likely benign. Review status: criteria provided, multiple submitters, no conflicts (2 of 4 stars). 3 submissions from 3 submitters: Likely benign (3). Last evaluated 2025-06-22.

Allele frequency attached by ClinVar (database versions not stated): gnomAD 0.00001 and 0.00002; ExAC 0.00002; gnomAD exomes 0.00002 and 0.00008; TOPMed 0.00002.
gnomAD v4.1: 116 of 1,613,994 alleles (0.0072%); highest among the groups gnomAD compares: Non-Finnish European, 0.0093%; no homozygotes.

Submissions (3):

Labcorp Genetics (formerly Invitae), Labcorp
Classification: Likely benign. Last evaluated: 2025-06-22. Review status: criteria provided, single submitter. Criteria: Invitae Variant Classification Sherloc (09022015). Collection method: clinical testing. Allele origin: germline.

CeGaT Center for Human Genetics Tuebingen
Classification: Likely benign. Last evaluated: 2025-02-01. Review status: criteria provided, single submitter. Criteria: CeGaT Center For Human Genetics Tuebingen Variant Classification Criteria Version 2. Collection method: clinical testing. Allele origin: germline. Affected: yes. Observed: 2 variant alleles.
Comment: ARMC9: BP4, BP7

Blueprint Genetics
Classification: Likely benign. Last evaluated: 2024-11-13. Review status: criteria provided, single submitter. Criteria: ACMG Guidelines, 2015. Collection method: clinical testing. Allele origin: germline.

NM_001352754.2(ARMC9):c.1506C>T (p.Leu502=)

Gene: ARMC9 (armadillo repeat containing 9; plus strand). Cytogenetic location: 2q37.1.
Variant type: single nucleotide variant.
Coding change: c.1506C>T on transcript NM_001352754.2 (MANE Select); coding-DNA position 1506, C replaced by T.
Protein change: p.Leu502=; no amino-acid change (leucine 502 retained).
Molecular consequence: synonymous variant. On other transcripts: non-coding transcript variant (1).
Genome position (GRCh38, 1-based): chr2:231,278,413, C>T. VCF-style: chr2-231278413-C-T. GRCh37 (hg19) VCF-style: chr2-232143126-C-T.
Other names: c.1506C>T, p.Leu502= (NM_001271466.4, NM_001291656.2, NM_001352755.2 and 3 more transcripts); c.1407C>T, p.Leu469= (NM_001352757.2, NM_001352758.2).
Identifiers: ClinVar variation 1098180 (VCV001098180.32), dbSNP rs748186558, ClinGen allele CA2160358.